The following is an entry in ClinVar:

ClinVar aggregate classification (germline): Pathogenic (1 of 4 stars; one submission).

Conditions:
Cohen syndrome (COH1). Also called: Cutis verticis gyrata, retinitis pigmentosa, and sensorineural deafness; PEPPER SYNDROME. Identifiers: Orphanet 193, MedGen C0265223, MONDO:0008999, OMIM 216550.

Submission:

Labcorp Genetics (formerly Invitae), Labcorp
Classification: Pathogenic for Cohen syndrome. Last evaluated: 2023-05-13. Review status: criteria provided, single submitter. Criteria: Invitae Variant Classification Sherloc (09022015). Collection method: clinical testing. Allele origin: unknown.
Comment: This variant is a gross deletion of the genomic region encompassing exon(s) 17-33 of the VPS13B gene. This deletion is out-of-frame, and is expected to create a premature termination codon and result in an absent or disrupted protein product. Loss-of-function variants in VPS13B are known to be pathogenic (PMID: 15141358, 16648375, 20461111). For these reasons, this variant has been classified as Pathogenic. This variant has not been reported in the literature in individuals affected with VPS13B-related conditions.

Literature cited by the submitters: PubMed 15141358; PubMed 16648375; PubMed 20461111.

NC_000008.10:g.(?_100205084)_(100589881_?)del

Gene: VPS13B (vacuolar protein sorting 13 homolog B; plus strand). Cytogenetic location: 8q22.2.
Variant type: Deletion.
Identifiers: ClinVar variation 3245437 (VCV003245437.1).